The following is an entry in ClinVar:

NM_002730.4(PRKACA):c.150C>T (p.Leu50=)

Gene: PRKACA (protein kinase cAMP-activated catalytic subunit alpha; minus strand). Cytogenetic location: 19p13.12.
Variant type: single nucleotide variant.
Coding change: c.150C>T on transcript NM_002730.4 (MANE Select); coding-DNA position 150, C replaced by T.
Protein change: p.Leu50=; no amino-acid change (leucine 50 retained).
Molecular consequence: synonymous variant.
Genome position (GRCh38, 1-based): chr19:14,106,847, G>A on the plus strand (C>T on the coding strand, the complement: PRKACA is on the minus strand). VCF-style: chr19-14106847-G-A. GRCh37 (hg19) VCF-style: chr19-14217659-G-A.
Other names: c.378C>T, p.Leu126= (NM_001304349.2); c.126C>T, p.Leu42= (NM_207518.3).
Identifiers: ClinVar variation 3049005 (VCV003049005.2), dbSNP rs775474906, ClinGen allele CA9249441.

ClinVar aggregate classification (germline): Likely benign (0 of 4 stars; one submission).

Conditions:
PRKACA-related disorder. Also called: PRKACA-related condition.

Allele frequency attached by ClinVar (database versions not stated): gnomAD 0.00003; TOPMed 0.00006; ExAC 0.00016.
gnomAD v4.1: 155 of 1,614,190 alleles (0.0096%); highest among the groups gnomAD compares: South Asian, 0.074%; no homozygotes.

Submission:

PreventionGenetics, part of Exact Sciences
Classification: Likely benign for PRKACA-related condition. Last evaluated: 2019-12-06. Review status: no assertion criteria provided. Collection method: clinical testing. Allele origin: germline.
Comment: This variant is classified as likely benign based on ACMG/AMP sequence variant interpretation guidelines (Richards et al. 2015 PMID: 25741868, with internal and published modifications).